The following is an entry in ClinVar:

NM_004204.5(PIGQ):c.774G>A (p.Thr258=)

Gene: PIGQ (phosphatidylinositol glycan anchor biosynthesis class Q; plus strand). Cytogenetic location: 16p13.3.
Variant type: single nucleotide variant.
Coding change: c.774G>A on transcript NM_004204.5 (MANE Select); coding-DNA position 774, G replaced by A.
Protein change: p.Thr258=; no amino-acid change (threonine 258 retained).
Molecular consequence: synonymous variant.
Genome position (GRCh38, 1-based): chr16:575,923, G>A. VCF-style: chr16-575923-G-A. GRCh37 (hg19) VCF-style: chr16-625923-G-A.
Other names: c.774G>A, p.Thr258= (NM_148920.4).
Identifiers: ClinVar variation 2910749 (VCV002910749.13), dbSNP rs910986299, ClinGen allele CA276483103.

ClinVar aggregate classification (germline): Likely benign. Review status: criteria provided, multiple submitters, no conflicts (2 of 4 stars). 2 submissions from 2 submitters: Likely benign (2). Last evaluated 2025-05-01.

Conditions:
Epilepsy. Also called: Seizure disorder. Identifiers: MedGen C0014544, MeSH D004827, MONDO:0005027.

Allele frequency attached by ClinVar (database versions not stated): gnomAD exomes below 0.00001; TOPMed 0.00001.
gnomAD v4.1: 3 of 1,582,200 alleles (0.00019%); highest among the groups gnomAD compares: Non-Finnish European, 0.00017%; no homozygotes.

Submissions (2):

CeGaT Center for Human Genetics Tuebingen
Classification: Likely benign. Last evaluated: 2025-05-01. Review status: criteria provided, single submitter. Criteria: CeGaT Center For Human Genetics Tuebingen Variant Classification Criteria Version 2. Collection method: clinical testing. Allele origin: germline. Affected: yes. Observed: 1 variant allele.
Comment: PIGQ: BP4, BP7

Labcorp Genetics (formerly Invitae), Labcorp
Classification: Likely benign for Epilepsy. Last evaluated: 2024-06-22. Review status: criteria provided, single submitter. Criteria: Invitae Variant Classification Sherloc (09022015). Collection method: clinical testing. Allele origin: germline.